The following is an entry in ClinVar:

ClinVar aggregate classification (germline): Uncertain significance. Review status: criteria provided, multiple submitters, no conflicts (2 of 4 stars). 2 submissions from 2 submitters: Uncertain significance (2). Last evaluated 2025-08-04.

Conditions:
Inborn genetic diseases. Identifiers: MedGen C0950123, MeSH D030342.
Autosomal recessive multiple pterygium syndrome. Also called: MULTIPLE PTERYGIUM SYNDROME, ESCOBAR VARIANT; PTERYGIUM COLLI SYNDROME; PTERYGIUM SYNDROME; PTERYGIUM UNIVERSALE. Identifiers: Orphanet 2990, MedGen C0265261, MONDO:0009926, OMIM 265000.

gnomAD v4.1: 1 of 1,614,134 alleles (0.000062%); highest among the groups gnomAD compares: African/African-American, 0.0013%; no homozygotes.

Submissions (2):

Ambry Genetics
Classification: Uncertain significance for Inborn genetic diseases. Last evaluated: 2025-08-04. Review status: criteria provided, single submitter. Criteria: Ambry Variant Classification Scheme 2023. Collection method: clinical testing. Allele origin: germline.

3billion
Classification: Uncertain significance for Autosomal recessive multiple pterygium syndrome. Last evaluated: 2024-10-24. Review status: criteria provided, single submitter. Criteria: ACMG Guidelines, 2015. Collection method: clinical testing. Allele origin: germline. Affected: yes.
Comment: The variant is observed at an extremely low frequency in the gnomAD v4.1.0 dataset (total allele frequency: <0.001%). Predicted Consequence/Location: Missense variant. The majority of the known disease-causing variants of this gene are variants expected to result in premature termination of the protein. In silico tool predictions suggest damaging effect of the variant on gene or gene product [REVEL: 0.95 (>=0.6, sensitivity 0.68 and specificity 0.92); 3Cnet: 0.99 (>=0.6, sensitivity 0.72 and precision 0.9)]. Therefore, this variant is classified as VUS according to the recommendation of ACMG/AMP guideline.

NM_005199.5(CHRNG):c.752C>T (p.Pro251Leu)

Gene: CHRNG (cholinergic receptor nicotinic gamma subunit; plus strand). Cytogenetic location: 2q37.1.
Variant type: single nucleotide variant.
Coding change: c.752C>T on transcript NM_005199.5 (MANE Select); coding-DNA position 752, C replaced by T.
Protein change: p.Pro251Leu; replaces proline 251 with leucine.
Molecular consequence: missense variant.
Genome position (GRCh38, 1-based): chr2:232,543,029, C>T. VCF-style: chr2-232543029-C-T. GRCh37 (hg19) VCF-style: chr2-233407739-C-T.
Other names: short protein forms P251L.
Identifiers: ClinVar variation 4228536 (VCV004228536.2).